The following is an entry in ClinVar:

NM_000138.5(FBN1):c.6006_6012dup (p.Ser2005fs)

Gene: FBN1 (fibrillin 1; minus strand). Cytogenetic location: 15q21.1.
Variant type: Duplication.
Coding change: c.6006_6012dup on transcript NM_000138.5 (MANE Select); coding-DNA positions 6006 to 6012, 7 bases duplicated (TGGATAC; older notation c.6006_6012dupTGGATAC).
Protein change: p.Ser2005fs; shifts the reading frame from serine 2005.
Molecular consequence: frameshift variant.
Genome position (GRCh38, 1-based): chr15:48,444,566-48,444,572, GTATCCA duplicated on the plus strand (TGGATAC on the coding strand, the reverse complement: FBN1 is on the minus strand); duplicating any 7 consecutive bases within chr15:48,444,566-48,444,573 gives the same sequence; the c. name uses the placement nearest the transcript's 3' end. VCF-style (leftmost placement, unchanged base first): chr15-48444565-T-TGTATCCA. GRCh37 (hg19) VCF-style: chr15-48736762-T-TGTATCCA.
Other names: c.6006_6012dupTGGATAC (NM_000138.4); short protein forms S2005fs.
Identifiers: ClinVar variation 36096 (VCV000036096.3), dbSNP rs193922220, ClinGen allele CA281824.

ClinVar aggregate classification (germline): Likely pathogenic (1 of 4 stars; one submission).

Conditions:
Marfan syndrome (MFS). Also called: FBN1-Related Marfan Syndrome; Marfan syndrome type 1; Marfan's syndrome; Marfan syndrome, classic; MARFAN SYNDROME, TYPE I. Identifiers: Orphanet 284963, Orphanet 558, MedGen C0024796, MONDO:0007947, OMIM 154700.

Submission:

Women's Health and Genetics/Laboratory Corporation of America, LabCorp
Classification: Likely pathogenic for Marfan Syndrome. Last evaluated: 2011-08-18. Review status: criteria provided, single submitter. Criteria: LabCorp Variant Classification Summary - May 2015. Collection method: curation, clinical testing. Allele origin: germline. Inheritance: autosomal unknown. Affected: yes.
ClinVar note: Converted during submission from likely pathogenic to Likely pathogenic.